The following is an entry in ClinVar:

ClinVar aggregate classification (germline): Uncertain significance (1 of 4 stars; one submission).

Submission:

Dasa
Classification: Uncertain significance. Last evaluated: 2024-05-23. Review status: criteria provided, single submitter. Criteria: DASA Assertion Criteria. Collection method: clinical testing. Allele origin: germline.
Comment: NM_016333.4(SRRM2):c.3344G>A (p.Arg1115Lys) is a missense variant that results in the substitution of arginine with lysine. This variant is rare in population databases. Computational prediction algorithms are consistent with a benign effect. The currently available literature and clinical evidence are not sufficient to establish a definitive association between this variant and the reported condition. Therefore, this variant is classified as a variant of uncertain significance.

NM_016333.4(SRRM2):c.3344G>A (p.Arg1115Lys)

Gene: SRRM2 (serine/arginine repetitive matrix 2; plus strand). Cytogenetic location: 16p13.3.
Variant type: single nucleotide variant.
Coding change: c.3344G>A on transcript NM_016333.4 (MANE Select); coding-DNA position 3344, G replaced by A.
Protein change: p.Arg1115Lys; replaces arginine 1115 with lysine.
Molecular consequence: missense variant.
Genome position (GRCh38, 1-based): chr16:2,763,872, G>A. VCF-style: chr16-2763872-G-A. GRCh37 (hg19) VCF-style: chr16-2813873-G-A.
Other names: short protein forms R1115K.
Identifiers: ClinVar variation 4883284 (VCV004883284.2).